The following is an entry in ClinVar:

NM_006129.5(BMP1):c.1510A>C (p.Thr504Pro)

Genes: BMP1 (bone morphogenetic protein 1; plus strand), LOC113788269 (BRD4-independent group 4 enhancer GRCh37_chr8:22052064-22053263; plus strand). Cytogenetic location: 8p21.3.
Variant type: single nucleotide variant.
Coding change: c.1510A>C on transcript NM_006129.5 (MANE Select); coding-DNA position 1510, A replaced by C.
Protein change: p.Thr504Pro; replaces threonine 504 with proline.
Molecular consequence: missense variant. On other transcripts: non-coding transcript variant (2).
Genome position (GRCh38, 1-based): chr8:22,194,790, A>C. VCF-style: chr8-22194790-A-C. GRCh37 (hg19) VCF-style: chr8-22052303-A-C.
Other names: c.1510A>C, p.Thr504Pro (NM_001199.4); short protein forms T504P.
Identifiers: ClinVar variation 1513179 (VCV001513179.5), dbSNP rs771997840, ClinGen allele CA4664699.
Genomic context (GRCh38, chr8:22,194,790, plus strand): 5'-CGCCACGACAGCTGTGCCTACGACTATCTGGAGGTGCGCGACGGGCACAGTGAGAGCAGC[A>C]CCCTCATCGGGCGCTACTGTGGCTATGAGAAGCCTGATGACATCAAGAGCACGTCCAGCC-3'
Protein context (NP_006120.1, residues 494-514): EVRDGHSESS[Thr504Pro]LIGRYCGYEK

ClinVar aggregate classification (germline): Uncertain significance (1 of 4 stars; one submission).

Allele frequency attached by ClinVar (database versions not stated): gnomAD exomes below 0.00001 and 0.00001; ExAC 0.00001; gnomAD 0.00001; TOPMed 0.00002.
gnomAD v4.1: 8 of 1,613,762 alleles (0.0005%); highest among the groups gnomAD compares: African/African-American, 0.0093%; no homozygotes.

Submission:

Labcorp Genetics (formerly Invitae), Labcorp
Classification: Uncertain significance. Last evaluated: 2022-03-02. Review status: criteria provided, single submitter. Criteria: Invitae Variant Classification Sherloc (09022015). Collection method: clinical testing. Allele origin: germline.
Comment: This sequence change replaces threonine, which is neutral and polar, with proline, which is neutral and non-polar, at codon 504 of the BMP1 protein (p.Thr504Pro). This variant is present in population databases (rs771997840, gnomAD 0.007%). This variant has not been reported in the literature in individuals affected with BMP1-related conditions. Algorithms developed to predict the effect of missense changes on protein structure and function output the following: SIFT: "Deleterious"; PolyPhen-2: "Benign"; Align-GVGD: "Class C0". The proline amino acid residue is found in multiple mammalian species, which suggests that this missense change does not adversely affect protein function. In summary, the available evidence is currently insufficient to determine the role of this variant in disease. Therefore, it has been classified as a Variant of Uncertain Significance.